The following is an entry in ClinVar:

ClinVar aggregate classification (germline): Uncertain significance (1 of 4 stars; one submission).

Submission:

CeGaT Center for Human Genetics Tuebingen
Classification: Uncertain significance. Last evaluated: 2023-09-01. Review status: criteria provided, single submitter. Criteria: CeGaT Center For Human Genetics Tuebingen Variant Classification Criteria Version 2. Collection method: clinical testing. Allele origin: germline. Affected: yes. Observed: 1 variant allele.
Comment: BPTF: PM2:Supporting, PP2, PP3

NM_182641.4(BPTF):c.818C>T (p.Ala273Val)

Gene: BPTF (bromodomain PHD finger transcription factor; plus strand). Cytogenetic location: 17q24.2.
Variant type: single nucleotide variant.
Coding change: c.818C>T on transcript NM_182641.4 (MANE Select); coding-DNA position 818, C replaced by T.
Protein change: p.Ala273Val; replaces alanine 273 with valine.
Molecular consequence: missense variant.
Genome position (GRCh38, 1-based): chr17:67,854,144, C>T. VCF-style: chr17-67854144-C-T. GRCh37 (hg19) VCF-style: chr17-65850260-C-T.
Other names: c.818C>T, p.Ala273Val (NM_004459.7); short protein forms A273V.
Identifiers: ClinVar variation 2582962 (VCV002582962.25), dbSNP rs2510092408, ClinGen allele CA400720023.